The following is an entry in ClinVar:

ClinVar aggregate classification (germline): Uncertain significance (1 of 4 stars; one submission).

Conditions:
Familial thoracic aortic aneurysm and aortic dissection (TAAD). Also called: Thoracic aortic aneurysms and dissections. Identifiers: Orphanet 91387, MedGen C4707243, MONDO:0019625.

Submission:

Color Diagnostics, LLC DBA Color Health
Classification: Uncertain significance for Familial thoracic aortic aneurysm and aortic dissection. Last evaluated: 2025-10-12. Review status: criteria provided, single submitter. Criteria: ACMG Guidelines, 2015. Collection method: clinical testing. Allele origin: germline.
Comment: This missense variant replaces leucine with isoleucine at codon 238 of the ACTA2 protein. Computational prediction suggests that this variant may not impact protein structure and function. To our knowledge, functional studies have not been reported for this variant. This variant has not been reported in individuals affected with ACTA2-related disorders in the literature. This variant has not been identified in the general population by the Genome Aggregation Database (gnomAD). The available evidence is insufficient to determine the role of this variant in disease conclusively. Therefore, this variant is classified as a Variant of Uncertain Significance.

NM_001613.4(ACTA2):c.712C>A (p.Leu238Ile)

Genes: ACTA2-AS1 (ACTA2 antisense RNA 1; plus strand), ACTA2 (actin alpha 2, smooth muscle; minus strand). Cytogenetic location: 10q23.31.
Variant type: single nucleotide variant.
Coding change: c.712C>A on transcript NM_001613.4 (MANE Select); coding-DNA position 712, C replaced by A.
Protein change: p.Leu238Ile; replaces leucine 238 with isoleucine.
Molecular consequence: missense variant. On other transcripts: non-coding transcript variant (1), intron variant (1).
Genome position (GRCh38, 1-based): chr10:88,939,603, G>T on the plus strand (C>A on the coding strand, the complement: ACTA2 is on the minus strand). VCF-style: chr10-88939603-G-T. GRCh37 (hg19) VCF-style: chr10-90699360-G-T.
Other names: c.712C>A, p.Leu238Ile (NM_001141945.3, NM_001320855.2, NM_001406462.1 and 2 more transcripts); c.601C>A, p.Leu201Ile (NM_001406466.1); c.583C>A, p.Leu195Ile (NM_001406467.1, NM_001406468.1, NM_001406469.1); c.617-1361C>A (NM_001406471.1); short protein forms L195I, L201I, L238I.
Identifiers: ClinVar variation 4758213 (VCV004758213.1).